The following is an entry in ClinVar:

NM_022081.6(HPS4):c.674T>A (p.Leu225His)

Gene: HPS4 (HPS4 biogenesis of lysosomal organelles complex 3 subunit 2; minus strand). Cytogenetic location: 22q12.1.
Variant type: single nucleotide variant.
Coding change: c.674T>A on transcript NM_022081.6 (MANE Select); coding-DNA position 674, T replaced by A.
Protein change: p.Leu225His; replaces leucine 225 with histidine.
Molecular consequence: missense variant. On other transcripts: non-coding transcript variant (8).
Genome position (GRCh38, 1-based): chr22:26,466,258, A>T on the plus strand (T>A on the coding strand, the complement: HPS4 is on the minus strand). VCF-style: chr22-26466258-A-T. GRCh37 (hg19) VCF-style: chr22-26862224-A-T.
Other names: c.674T>A, p.Leu225His (NM_001349896.1, NM_001349898.2, NM_001349899.2 and 7 more transcripts); c.659T>A, p.Leu220His (NM_152841.2); short protein forms L225H, L220H.
Identifiers: ClinVar variation 3858591 (VCV003858591.2).
Genomic context (GRCh38, chr22:26,466,258, plus strand): 5'-AGAGGCAACCATGCGCCTCACTACTTACCATGTTCCTGCGGGGCATCCTCTCCCGTAGGG[A>T]GTCTCTGAAAACAAACACACACAGAAGTTGGCGCTGGGCACCACATTCTCCTCTTGACCT-3'
Protein context (NP_071364.4, residues 215-235): LHRTAPQEQR[Leu225His]PTGEDAPQEH

ClinVar aggregate classification (germline): Uncertain significance. Review status: criteria provided, multiple submitters, no conflicts (2 of 4 stars). 2 submissions from 2 submitters: Uncertain significance (2). Last evaluated 2025-03-12.

Conditions:
HPS4-related disorder. Also called: HPS4-related condition.
Inborn genetic diseases. Identifiers: MedGen C0950123, MeSH D030342.

gnomAD v4.1: 2 of 1,614,168 alleles (0.00012%); highest among the groups gnomAD compares: Non-Finnish European, 0.00017%; no homozygotes.

Submissions (2):

PreventionGenetics, part of Exact Sciences
Classification: Uncertain significance for HPS4-related condition. Last evaluated: 2025-03-12. Review status: criteria provided, single submitter. Criteria: ACMG Guidelines, 2015. Collection method: clinical testing. Allele origin: germline.
Comment: The HPS4 c.674T>A variant is predicted to result in the amino acid substitution p.Leu225His. To our knowledge, this variant has not been reported in the literature. This variant is reported in 0.00088% of alleles in individuals of European (Non-Finnish) descent in gnomAD. At this time, the clinical significance of this variant is uncertain due to the absence of conclusive functional and genetic evidence.

Ambry Genetics
Classification: Uncertain significance for Inborn genetic diseases. Last evaluated: 2024-12-22. Review status: criteria provided, single submitter. Criteria: Ambry Variant Classification Scheme 2023. Collection method: clinical testing. Allele origin: germline.